The following is an entry in ClinVar:

NM_001204.7(BMPR2):c.2260A>G (p.Arg754Gly)

Gene: BMPR2 (bone morphogenetic protein receptor type 2; plus strand). Cytogenetic location: 2q33.2.
Variant type: single nucleotide variant.
Coding change: c.2260A>G on transcript NM_001204.7 (MANE Select); coding-DNA position 2260, A replaced by G.
Protein change: p.Arg754Gly; replaces arginine 754 with glycine.
Molecular consequence: missense variant.
Genome position (GRCh38, 1-based): chr2:202,555,925, A>G. VCF-style: chr2-202555925-A-G. GRCh37 (hg19) VCF-style: chr2-203420648-A-G.
Other names: short protein forms R754G.
Identifiers: ClinVar variation 3824898 (VCV003824898.1).
Genomic context (GRCh38, chr2:202,555,925, plus strand): 5'-ATTCCTGATGTTCTGCCTACTCAGATCTATCCTCTCCCCAAGCAGCAGAACCTTCCCAAG[A>G]GACCTACTAGTTTGCCTTTGAACACCAAAAATTCAACAAAAGAGCCCCGGCTAAAATTTG-3'
Protein context (NP_001195.2, residues 744-764): PLPKQQNLPK[Arg754Gly]PTSLPLNTKN

ClinVar aggregate classification (germline): Uncertain significance (1 of 4 stars; one submission).

Conditions:
Inborn genetic diseases. Identifiers: MedGen C0950123, MeSH D030342.

Submission:

Ambry Genetics
Classification: Uncertain significance for Inborn genetic diseases. Last evaluated: 2025-02-09. Review status: criteria provided, single submitter. Criteria: Ambry Variant Classification Scheme 2023. Collection method: clinical testing. Allele origin: germline.
Comment: The p.R754G variant (also known as c.2260A>G), located in coding exon 12 of the BMPR2 gene, results from an A to G substitution at nucleotide position 2260. The arginine at codon 754 is replaced by glycine, an amino acid with dissimilar properties. This amino acid position is conserved. In addition, this alteration is predicted to be deleterious by in silico analysis. Based on the available evidence, the clinical significance of this variant remains unclear.